The following is an entry in ClinVar:

ClinVar aggregate classification (germline): Uncertain significance (1 of 4 stars; one submission).

Allele frequency attached by ClinVar (database versions not stated): gnomAD 0.00001.

Submission:

GeneDx
Classification: Uncertain significance. Last evaluated: 2022-11-16. Review status: criteria provided, single submitter. Criteria: GeneDx Variant Classification Process June 2021. Collection method: clinical testing. Allele origin: germline. Affected: yes.
Comment: In silico analysis supports that this missense variant has a deleterious effect on protein structure/function; Has not been previously published as pathogenic or benign to our knowledge

NM_001372044.2(SHANK3):c.940G>A (p.Asp314Asn)

Gene: SHANK3 (SH3 and multiple ankyrin repeat domains 3; plus strand). Cytogenetic location: 22q13.33.
Variant type: single nucleotide variant.
Coding change: c.940G>A on transcript NM_001372044.2 (MANE Select); coding-DNA position 940, G replaced by A.
Protein change: p.Asp314Asn; replaces aspartic acid 314 with asparagine.
Molecular consequence: missense variant.
Genome position (GRCh38, 1-based): chr22:50,679,133, G>A. VCF-style: chr22-50679133-G-A. GRCh37 (hg19) VCF-style: chr22-51117561-G-A.
Other names: c.715G>A, p.Asp239Asn (NM_033517.1); short protein forms D239N, D314N.
Identifiers: ClinVar variation 2502675 (VCV002502675.1), dbSNP rs1184881742, ClinGen allele CA515254033.
Genomic context (GRCh38, chr22:50,679,133, plus strand): 5'-CCCCTCTACCACAGCGCCCTGGGGGGTGGGGATGCCCTCTGCTGTGAGCTGCTTCTCCAC[G>A]ACCACGCTCAGCTGGGGATCACCGACGAGAATGGCTGGCAGGAGATCCACCAGGTGTGCA-3'
Protein context (NP_001358973.1, residues 304-324): DALCCELLLH[Asp314Asn]HAQLGITDEN